The following is an entry in ClinVar:

ClinVar aggregate classification (germline): Uncertain significance (1 of 4 stars; one submission).

Submission:

Ambry Genetics
Classification: Uncertain significance. Last evaluated: 2024-02-05. Review status: criteria provided, single submitter. Criteria: Ambry Variant Classification Scheme 2023. Collection method: clinical testing. Allele origin: germline.
Comment: The p.G238R variant (also known as c.712G>A), located in coding exon 1 of the PALLD gene, results from a G to A substitution at nucleotide position 712. The glycine at codon 238 is replaced by arginine, an amino acid with dissimilar properties. This amino acid position is conserved. In addition, this alteration is predicted to be tolerated by in silico analysis. Based on the available evidence, the clinical significance of this alteration remains unclear.

NM_001166108.2(PALLD):c.712G>A (p.Gly238Arg)

Gene: PALLD (palladin, cytoskeletal associated protein; plus strand). Cytogenetic location: 4q32.3.
Variant type: single nucleotide variant.
Coding change: c.712G>A on transcript NM_001166108.2 (MANE Select); coding-DNA position 712, G replaced by A.
Protein change: p.Gly238Arg; replaces glycine 238 with arginine.
Molecular consequence: missense variant.
Genome position (GRCh38, 1-based): chr4:168,512,216, G>A. VCF-style: chr4-168512216-G-A. GRCh37 (hg19) VCF-style: chr4-169433367-G-A.
Other names: c.712G>A, p.Gly238Arg (NM_016081.4); short protein forms G238R.
Identifiers: ClinVar variation 3226835 (VCV003226835.1), dbSNP rs2531435848, ClinGen allele CA358728030.